The following is an entry in ClinVar:

ClinVar aggregate classification (germline): Pathogenic (1 of 4 stars; one submission).

Conditions:
Hereditary nonpolyposis colorectal neoplasms. Identifiers: MedGen C0009405, MeSH D003123.

Submission:

Labcorp Genetics (formerly Invitae), Labcorp
Classification: Pathogenic for Hereditary nonpolyposis colorectal neoplasms. Last evaluated: 2017-05-09. Review status: criteria provided, single submitter. Criteria: Invitae Variant Classification Sherloc (09022015). Collection method: clinical testing. Allele origin: germline.
Comment: This sequence change inserts 1 nucleotide in exon 9 of the MSH6 mRNA (c.3813dupA), causing a frameshift at codon 1272. This creates a premature translational stop signal (p.Glu1272Argfs*3) and is expected to result in an absent or disrupted protein product. While this particular variant has not been reported in the literature, loss-of-function variants in MSH6 are known to be pathogenic (PMID: 24362816, 18269114). For these reasons, this variant has been classified as Pathogenic.

Literature cited by the submitters: PubMed 24362816; PubMed 18269114.

NM_000179.3(MSH6):c.3813dup (p.Glu1272fs)

Gene: MSH6 (mutS homolog 6; plus strand). Cytogenetic location: 2p16.3.
Variant type: Duplication.
Coding change: c.3813dup on transcript NM_000179.3 (MANE Select); coding-DNA position 3813, one base duplicated (A; older notation c.3813dupA).
Protein change: p.Glu1272fs; shifts the reading frame from glutamic acid 1272.
Molecular consequence: frameshift variant.
Genome position (GRCh38, 1-based): chr2:47,806,463, A duplicated. VCF-style (leftmost placement, unchanged base first): chr2-47806462-T-TA. GRCh37 (hg19) VCF-style: chr2-48033601-T-TA.
Other names: c.3423dup, p.Glu1142fs (NM_001281492.2); c.2907dup, p.Glu970fs (NM_001281493.2, NM_001281494.2); c.3813dupA (NM_000179.2); short protein forms E1142fs, E1272fs, E970fs.
Identifiers: ClinVar variation 455290 (VCV000455290.7), dbSNP rs1553333310, ClinGen allele CA658655744.